The following is an entry in ClinVar:

ClinVar aggregate classification (germline): Uncertain significance (1 of 4 stars; one submission).

Conditions:
Developmental and epileptic encephalopathy, 12 (DEE12). Identifiers: MedGen C3150988, MONDO:0013389, OMIM 613722.

Submission:

Labcorp Genetics (formerly Invitae), Labcorp
Classification: Uncertain significance for Developmental and epileptic encephalopathy, 12. Last evaluated: 2021-03-22. Review status: criteria provided, single submitter. Criteria: Invitae Variant Classification Sherloc (09022015). Collection method: clinical testing. Allele origin: germline.
Comment: In summary, the available evidence is currently insufficient to determine the role of this variant in disease. Therefore, it has been classified as a Variant of Uncertain Significance. Nucleotide substitutions within the consensus splice site are a relatively common cause of aberrant splicing (PMID: 17576681, 9536098). Algorithms developed to predict the effect of sequence changes on RNA splicing suggest that this variant may disrupt the consensus splice site, but this prediction has not been confirmed by published transcriptional studies. This variant has not been reported in the literature in individuals with PLCB1-related conditions. This variant is not present in population databases (ExAC no frequency). This sequence change falls in intron 28 of the PLCB1 gene. It does not directly change the encoded amino acid sequence of the PLCB1 protein. It affects a nucleotide within the consensus splice site of the intron.

Literature cited by the submitters: PubMed 17576681; PubMed 9536098.

NM_015192.4(PLCB1):c.3188+5G>C

Gene: PLCB1 (phospholipase C beta 1; plus strand). Cytogenetic location: 20p12.3.
Variant type: single nucleotide variant.
Coding change: c.3188+5G>C on transcript NM_015192.4 (MANE Select); 5 bases into the intron after coding-DNA position 3188, G replaced by C.
Molecular consequence: intron variant.
Genome position (GRCh38, 1-based): chr20:8,788,530, G>C. VCF-style: chr20-8788530-G-C. GRCh37 (hg19) VCF-style: chr20-8769177-G-C.
Other names: c.3188+5G>C (NM_182734.3).
Identifiers: ClinVar variation 1415622 (VCV001415622.6), dbSNP rs2146220264, ClinGen allele CA2573156920.
Genomic context (GRCh38, chr20:8,788,530, plus strand): 5'-GTCGCAGAAGAGTGTCAGAACAATCAGTTAAAGAAGCTCAAAGAAATCTGTGAGAAGTAA[G>C]CCCTCATTCCCATTACAATTGACATGTGCATCTGAATTTATTCAACACAAATTCCCATCT-3'